The following is an entry in ClinVar:

NM_015443.4(KANSL1):c.1849-26_1871del

Gene: KANSL1 (KAT8 regulatory NSL complex subunit 1). Cytogenetic location: 17q21.31.
Variant type: Deletion.
Coding change: c.1849-26_1871del on transcript NM_015443.4 (MANE Select); 26 bases into the intron before coding-DNA position 1849 through coding-DNA position 1871, this stretch deleted.
Molecular consequence: splice acceptor variant.
Genome position: GRCh38: chr17:46,050,683-46,050,731. GRCh37 (hg19): chr17:44,128,049-44,128,097.
Other names: c.1849-26_1871del (NM_001193465.2, NM_001379198.1, NM_001193466.2).
Identifiers: ClinVar variation 1299570 (VCV001299570.1), dbSNP rs2146486142, ClinGen allele CA2499224666.

ClinVar aggregate classification (germline): Pathogenic (1 of 4 stars; one submission).

Conditions:
Koolen-de Vries syndrome (KDVS). Identifiers: Orphanet 96169, MedGen C1864871, MONDO:0012496, OMIM 610443.

Submission:

Laboratory of Medical Genetics, National & Kapodistrian University of Athens
Classification: Pathogenic for Koolen-de Vries syndrome. Last evaluated: 2021-10-05. Review status: criteria provided, single submitter. Criteria: ACMG Guidelines, 2015. Collection method: clinical testing. Allele origin: unknown. Affected: yes.
Comment: PVS1, PM2, PP3